The following is an entry in ClinVar:

NM_000372.5(TYR):c.236C>G (p.Ser79Trp)

Gene: TYR (tyrosinase; plus strand). Cytogenetic location: 11q14.3.
Variant type: single nucleotide variant.
Coding change: c.236C>G on transcript NM_000372.5 (MANE Select); coding-DNA position 236, C replaced by G.
Protein change: p.Ser79Trp; replaces serine 79 with tryptophan.
Molecular consequence: missense variant.
Genome position (GRCh38, 1-based): chr11:89,178,189, C>G. VCF-style: chr11-89178189-C-G. GRCh37 (hg19) VCF-style: chr11-88911357-C-G.
Other names: short protein forms S79W.
Identifiers: ClinVar variation 1444715 (VCV001444715.6), dbSNP rs544053015, ClinGen allele CA382033858.

ClinVar aggregate classification (germline): Uncertain significance (1 of 4 stars; one submission).

Submission:

Labcorp Genetics (formerly Invitae), Labcorp
Classification: Uncertain significance. Last evaluated: 2021-09-02. Review status: criteria provided, single submitter. Criteria: Invitae Variant Classification Sherloc (09022015). Collection method: clinical testing. Allele origin: germline.
Comment: This sequence change replaces serine with tryptophan at codon 79 of the TYR protein (p.Ser79Trp). The serine residue is moderately conserved and there is a large physicochemical difference between serine and tryptophan. This variant is not present in population databases (ExAC no frequency). This variant has not been reported in the literature in individuals affected with TYR-related conditions. Algorithms developed to predict the effect of missense changes on protein structure and function are either unavailable or do not agree on the potential impact of this missense change (SIFT: "Deleterious"; PolyPhen-2: "Possibly Damaging"; Align-GVGD: "Class C0"). In summary, the available evidence is currently insufficient to determine the role of this variant in disease. Therefore, it has been classified as a Variant of Uncertain Significance.